The following is an entry in ClinVar:

ClinVar aggregate classification (germline): Uncertain significance. Review status: criteria provided, multiple submitters, no conflicts (2 of 4 stars). 2 submissions from 2 submitters: Uncertain significance (2). Last evaluated 2025-03-17.

Conditions:
Familial sleep-related hypermotor epilepsy. Also called: Autosomal Dominant Sleep-Related Hypermotor (Hyperkinetic) Epilepsy. Identifiers: Orphanet 98784, MedGen C3696898, MONDO:0000030.

Submissions (2):

Labcorp Genetics (formerly Invitae), Labcorp
Classification: Uncertain significance. Last evaluated: 2025-03-17. Review status: criteria provided, single submitter. Criteria: Invitae Variant Classification Sherloc (09022015). Collection method: clinical testing. Allele origin: germline.
Comment: This sequence change replaces arginine, which is basic and polar, with histidine, which is basic and polar, at codon 370 of the CHRNB2 protein (p.Arg370His). The frequency data for this variant in the population databases is considered unreliable, as metrics indicate poor data quality at this position in the gnomAD database. This variant has not been reported in the literature in individuals affected with CHRNB2-related conditions. ClinVar contains an entry for this variant (Variation ID: 1412844). Invitae Evidence Modeling of protein sequence and biophysical properties (such as structural, functional, and spatial information, amino acid conservation, physicochemical variation, residue mobility, and thermodynamic stability) indicates that this missense variant is not expected to disrupt CHRNB2 protein function with a negative predictive value of 80%. In summary, the available evidence is currently insufficient to determine the role of this variant in disease. Therefore, it has been classified as a Variant of Uncertain Significance.

GeneDx
Classification: Uncertain significance. Last evaluated: 2024-04-22. Review status: criteria provided, single submitter. Criteria: GeneDx Variant Classification Process June 2021. Collection method: clinical testing. Allele origin: germline. Affected: yes.
Comment: Not observed at significant frequency in large population cohorts (gnomAD); In silico analysis indicates that this missense variant does not alter protein structure/function; Has not been previously published as pathogenic or benign to our knowledge

NM_000748.3(CHRNB2):c.1109G>A (p.Arg370His)

Gene: CHRNB2 (cholinergic receptor nicotinic beta 2 subunit; plus strand). Cytogenetic location: 1q21.3.
Variant type: single nucleotide variant.
Coding change: c.1109G>A on transcript NM_000748.3 (MANE Select); coding-DNA position 1109, G replaced by A.
Protein change: p.Arg370His; replaces arginine 370 with histidine.
Molecular consequence: missense variant.
Genome position (GRCh38, 1-based): chr1:154,571,932, G>A. VCF-style: chr1-154571932-G-A. GRCh37 (hg19) VCF-style: chr1-154544408-G-A.
Other names: c.1109G>A (NM_000748.2); short protein forms R370H.
Identifiers: ClinVar variation 1412844 (VCV001412844.7), dbSNP rs200483865, ClinGen allele CA342631500.